The following is an entry in ClinVar:

NM_000212.3(ITGB3):c.2085C>G (p.Tyr695Ter)

Gene: ITGB3 (integrin subunit beta 3; plus strand). Cytogenetic location: 17q21.32.
Variant type: single nucleotide variant.
Coding change: c.2085C>G on transcript NM_000212.3 (MANE Select); coding-DNA position 2085, C replaced by G.
Protein change: p.Tyr695Ter; replaces tyrosine 695 with a stop codon.
Molecular consequence: nonsense.
Genome position (GRCh38, 1-based): chr17:47,302,791, C>G. VCF-style: chr17-47302791-C-G. GRCh37 (hg19) VCF-style: chr17-45380157-C-G.
Other names: short protein forms Y695*.
Identifiers: ClinVar variation 3075873 (VCV003075873.1), dbSNP rs373450805, ClinGen allele CA400033232.

ClinVar aggregate classification (germline): Likely pathogenic (1 of 4 stars; one submission).

Conditions:
Glanzmann thrombasthenia. Also called: PLATELET GLYCOPROTEIN IIb-IIIa DEFICIENCY; Thrombasthenia; Glanzmann's thrombasthenia; BLEEDING DISORDER, PLATELET-TYPE, 2; THROMBASTHENIA OF GLANZMANN AND NAEGELI. Identifiers: Orphanet 849, MedGen C0040015, MONDO:0100326.

gnomAD v4.1: 3 of 1,613,888 alleles (0.00019%); highest among the groups gnomAD compares: Non-Finnish European, 0.00025%; no homozygotes.

Submission:

Laboratory for Molecular Medicine, Mass General Brigham Personalized Medicine
Classification: Likely pathogenic for Glanzmann thrombasthenia. Last evaluated: 2022-06-30. Review status: criteria provided, single submitter. Criteria: ACMG Guidelines, 2015. Collection method: clinical testing. Allele origin: germline.
Comment: The p.Tyr695X in ITGB3 has not been previously reported in individuals with Glanzmann thrombasthenia and was absent from large population studies. This nonsense variant leads to a premature termination codon at position 695, which is predicted to lead to a truncated or absent protein. Loss of function of the ITGB3 gene is an established disease mechanism in autosomal recessive Glanzmann thrombasthenia. In summary, although additional studies are required to fully establish its clinical significance, this variant meets criteria to be classified as likely pathogenic for autosomal recessive Glanzmann thrombasthenia. ACMG/AMP criteria applied: PVS1, PM2_Supporting.